The following is an entry in ClinVar:

ClinVar aggregate classification (germline): Uncertain significance (1 of 4 stars; one submission).

Conditions:
Lethal multiple pterygium syndrome (LMPS). Identifiers: Orphanet 33108, MedGen C1854678, MONDO:0009668, OMIM 253290.

Allele frequency attached by ClinVar (database versions not stated): ExAC 0.00001; gnomAD 0.00001; TOPMed 0.00001.

Submission:

Labcorp Genetics (formerly Invitae), Labcorp
Classification: Uncertain significance for Lethal multiple pterygium syndrome. Last evaluated: 2025-06-10. Review status: criteria provided, single submitter. Criteria: Invitae Variant Classification Sherloc (09022015). Collection method: clinical testing. Allele origin: germline.
Comment: This sequence change replaces arginine, which is basic and polar, with histidine, which is basic and polar, at codon 363 of the CHRND protein (p.Arg363His). This variant is present in population databases (rs748108743, gnomAD 0.007%). This variant has not been reported in the literature in individuals affected with CHRND-related conditions. ClinVar contains an entry for this variant (Variation ID: 466188). Invitae Evidence Modeling of protein sequence and biophysical properties (such as structural, functional, and spatial information, amino acid conservation, physicochemical variation, residue mobility, and thermodynamic stability) indicates that this missense variant is not expected to disrupt CHRND protein function with a negative predictive value of 95%. In summary, the available evidence is currently insufficient to determine the role of this variant in disease. Therefore, it has been classified as a Variant of Uncertain Significance.

NM_000751.3(CHRND):c.1088G>A (p.Arg363His)

Gene: CHRND (cholinergic receptor nicotinic delta subunit; plus strand). Cytogenetic location: 2q37.1.
Variant type: single nucleotide variant.
Coding change: c.1088G>A on transcript NM_000751.3 (MANE Select); coding-DNA position 1088, G replaced by A.
Protein change: p.Arg363His; replaces arginine 363 with histidine.
Molecular consequence: missense variant.
Genome position (GRCh38, 1-based): chr2:232,533,971, G>A. VCF-style: chr2-232533971-G-A. GRCh37 (hg19) VCF-style: chr2-233398681-G-A.
Other names: c.1043G>A, p.Arg348His (NM_001256657.2); c.506G>A, p.Arg169His (NM_001311195.2); c.785G>A, p.Arg262His (NM_001311196.2); short protein forms R363H, R348H, R169H, R262H.
Identifiers: ClinVar variation 466188 (VCV000466188.8), dbSNP rs748108743, ClinGen allele CA2168262.
Genomic context (GRCh38, chr2:232,533,971, plus strand): 5'-GCCCCTTGACATGGCCCCAGCTCTTCCTGGAGACCCTGCCGGAGCTCCTGCACATGTCCC[G>A]CCCAGCAGAGGATGGACCCAGCCCTGGGGCCCTGGTGCGGAGGAGCAGCTCCCTGGGATA-3'
Protein context (NP_000742.1, residues 353-373): ETLPELLHMS[Arg363His]PAEDGPSPGA